The following is an entry in ClinVar:

NM_000548.5(TSC2):c.208del (p.Thr70fs)

Gene: TSC2 (TSC complex subunit 2; plus strand). Cytogenetic location: 16p13.3.
Variant type: Deletion.
Coding change: c.208del on transcript NM_000548.5 (MANE Select); coding-DNA position 208, one base deleted (A; older notation c.208delA).
Protein change: p.Thr70fs; shifts the reading frame from threonine 70.
Molecular consequence: frameshift variant. On other transcripts: 5 prime UTR variant (1).
Genome position (GRCh38, 1-based): chr16:2,050,469, A deleted; the last of 5 consecutive A bases (chr16:2,050,465-2,050,469); deleting any one gives the same sequence. VCF-style (leftmost placement, unchanged base first): chr16-2050464-CA-C. GRCh37 (hg19) VCF-style: chr16-2100465-CA-C.
Other names: c.208del, p.Thr70fs (NM_001077183.3, NM_001114382.3, NM_001318827.2 and 4 more transcripts); c.61del, p.Thr21fs (NM_001318829.2); c.-19del (NM_001318831.2); c.241del, p.Thr81fs (NM_001318832.2); c.208delA, p.Thr70Profs (NM_001406663.1, NM_001406664.1, NM_001406665.1 and 6 more transcripts); c.61delA, p.Thr21Profs (NM_001406675.1, NM_001406676.1, NM_001406677.1 and 1 more transcripts); c.-609delA (NM_001406680.1, NM_001406683.1, NM_001406687.1); c.-238delA (NM_001406681.1); and 6 more; short protein forms T21fs, T70fs, T81fs.
Identifiers: ClinVar variation 2011700 (VCV002011700.4), dbSNP rs2548373189, ClinGen allele CA2580090590.
Genomic context (GRCh38, chr16:2,050,464, plus strand): 5'-TGAGCATGGAATGTGGCCTCAACAATCGCATCCGGATGATAGGGCAGATTTGTGAAGTCG[CA>C]AAAACCAAGAAATTTGAAGAGGTAGGTTTATCCAGTTGAGCTACTAGAGAGAGGCACGTA-3'

ClinVar aggregate classification (germline): Pathogenic (1 of 4 stars; one submission).

Conditions:
Tuberous sclerosis 2 (TSC2). Identifiers: Orphanet 805, MedGen C1860707, MONDO:0013199, OMIM 613254.

Submission:

Labcorp Genetics (formerly Invitae), Labcorp
Classification: Pathogenic for Tuberous sclerosis 2. Last evaluated: 2022-06-28. Review status: criteria provided, single submitter. Criteria: Invitae Variant Classification Sherloc (09022015). Collection method: clinical testing. Allele origin: germline.
Comment: This variant has not been reported in the literature in individuals affected with TSC2-related conditions. For these reasons, this variant has been classified as Pathogenic. This variant is not present in population databases (gnomAD no frequency). This sequence change creates a premature translational stop signal (p.Thr70Profs*36) in the TSC2 gene. It is expected to result in an absent or disrupted protein product. Loss-of-function variants in TSC2 are known to be pathogenic (PMID: 10205261, 17304050).

Literature cited by the submitters: PubMed 10205261; PubMed 17304050.